The following is an entry in ClinVar:

GRCh37/hg19 16p13.11(chr16:15509407-16309046)x3

Genes: ABCC1 (ATP binding cassette subfamily C member 1 (ABCC1 blood group); plus strand), ABCC6 (ATP binding cassette subfamily C member 6; minus strand), BMERB1 (bMERB domain containing 1; plus strand), CEP20 (centrosomal protein 20; minus strand), MARF1 (meiosis regulator and mRNA stability factor 1; minus strand) and 2 more. Cytogenetic location: 16p13.11.
Variant type: copy number gain.
Change: copy number 3 (three copies instead of two) of chr16:15,509,407-16,309,046 (799.6 kb, GRCh37 coordinates, 1-based), cytogenetic band 16p13.11.
Identifiers: ClinVar variation 1807918 (VCV001807918.1).

ClinVar aggregate classification (germline): Likely pathogenic (1 of 4 stars; one submission).

Submission:

Quest Diagnostics Nichols Institute San Juan Capistrano
Classification: Likely pathogenic. Last evaluated: 2022-01-07. Review status: criteria provided, single submitter. Criteria: ACMG/ClinGen CNV Guidelines, 2019. Collection method: clinical testing. Allele origin: unknown.
Comment: This copy number gain involves multiple genes and is a recurrent genomic imbalance. It confers susceptibility to a range ofneurodevelopmental disorders including autism spectrum disorder, developmental delay, intellectual disability, and speech delay. Additionally, increased risk for cardiovascular disease has been noted (Allach El Khattabi et al., J Med Genet. 2018 Oct 4. Pii:jmedgenet-2018-105389. PMID: 30287593). The clinical significance of this recurrent duplication has been debated, because similar duplications are repeatedly observed in uncharacterized controls and in unaffected relatives (Ullmann R et al., Hum Mutat. 2007Jul;28(7):674-82.PMID: 17480035; Hannes FD et al., J Med Genet. 2009Apr;46(4):223-32. PMID: 18550696). However, the duplication is enriched patients versus controls in multiple case-control studies (Coe et al., Nat Genet. 2014 Oct;46(10):1063-71., PMID: 25217958;Girirajan et al., N Engl J Med. 2012 Oct 4;367(14):1321-31., PMID:22970919), with some exceptions (Kaminsky et al., Genet Med. 2011Sep;13(9):777-84., PMID: 21844811). A male-biased effect on the penetrance of the neurodevelopmental phenotypes has been reported (Tropeano M et al., PLoS One. 2013 Apr 18;8(4):e61365.; PMID:23637818). Thus, the clinical significance of this copy numbervariant (CNV) is likely pathogenic. Please note: because of variable phenotypic expressivity, incomplete penetrance, and occurrence in control populations, it is best interpreted as a susceptibility locus.